The following is an entry in ClinVar:

ClinVar aggregate classification (germline): Uncertain significance. Review status: criteria provided, multiple submitters, no conflicts (2 of 4 stars). 3 submissions from 3 submitters: Uncertain significance (3). Last evaluated 2026-01-11.

Conditions:
Marfan syndrome (MFS). Also called: MARFAN SYNDROME, TYPE I; FBN1-Related Marfan Syndrome; Marfan syndrome type 1; Marfan's syndrome; Marfan syndrome, classic. Identifiers: Orphanet 284963, Orphanet 558, MedGen C0024796, MONDO:0007947, OMIM 154700.
Familial thoracic aortic aneurysm and aortic dissection (TAAD). Also called: Thoracic aortic aneurysms and dissections. Identifiers: Orphanet 91387, MedGen C4707243, MONDO:0019625.

Allele frequency attached by ClinVar (database versions not stated): ExAC 0.00001; gnomAD 0.00001.
gnomAD v4.1: 1 of 1,614,000 alleles (0.000062%); highest among the groups gnomAD compares: Admixed American, 0.0017%; no homozygotes.

Submissions (3):

Labcorp Genetics (formerly Invitae), Labcorp
Classification: Uncertain significance for Marfan syndrome; Familial thoracic aortic aneurysm and aortic dissection. Last evaluated: 2026-01-11. Review status: criteria provided, single submitter. Criteria: Invitae Variant Classification Sherloc (09022015). Collection method: clinical testing. Allele origin: germline.
Comment: This sequence change replaces threonine, which is neutral and polar, with lysine, which is basic and polar, at codon 1643 of the FBN1 protein (p.Thr1643Lys). This variant is present in population databases (rs761765010, gnomAD 0.006%). This missense change has been observed in individual(s) with clinical features of FBN1-related conditions (internal data). ClinVar contains an entry for this variant (Variation ID: 2453687). Invitae Evidence Modeling of protein sequence and biophysical properties (such as structural, functional, and spatial information, amino acid conservation, physicochemical variation, residue mobility, and thermodynamic stability) has been performed for this missense variant. However, the output from this modeling did not meet the statistical confidence thresholds required to predict the impact of this variant on FBN1 protein function. In summary, the available evidence is currently insufficient to determine the role of this variant in disease. Therefore, it has been classified as a Variant of Uncertain Significance.

GeneDx
Classification: Uncertain significance. Last evaluated: 2025-06-11. Review status: criteria provided, single submitter. Criteria: GeneDx Variant Classification Process June 2021. Collection method: clinical testing. Allele origin: germline. Affected: yes.
Comment: Not observed at significant frequency in large population cohorts (gnomAD); In silico analysis supports that this missense variant has a deleterious effect on protein structure/function; Has not been previously published as pathogenic or benign to our knowledge; Does not affect a cysteine or calcium-binding residue within an EGF-like domain or a TGF-binding protein domain of the FBN1 gene; cysteine substitutions in the EGF-like domains represent the majority of pathogenic missense changes associated with FBN1-related disorders (PMID: 12938084); This variant is associated with the following publications: (PMID: 12938084)

Ambry Genetics
Classification: Uncertain significance for Familial thoracic aortic aneurysm and aortic dissection. Last evaluated: 2023-03-15. Review status: criteria provided, single submitter. Criteria: Ambry Variant Classification Scheme 2023. Collection method: clinical testing. Allele origin: germline.
Comment: The p.T1643K variant (also known as c.4928C>A), located in coding exon 39 of the FBN1 gene, results from a C to A substitution at nucleotide position 4928. The threonine at codon 1643 is replaced by lysine, an amino acid with similar properties. This amino acid position is well conserved in available vertebrate species. In addition, this alteration is predicted to be deleterious by in silico analysis. Since supporting evidence is limited at this time, the clinical significance of this alteration remains unclear.

NM_000138.5(FBN1):c.4928C>A (p.Thr1643Lys)

Gene: FBN1 (fibrillin 1; minus strand). Cytogenetic location: 15q21.1.
Variant type: single nucleotide variant.
Coding change: c.4928C>A on transcript NM_000138.5 (MANE Select); coding-DNA position 4928, C replaced by A.
Protein change: p.Thr1643Lys; replaces threonine 1643 with lysine.
Molecular consequence: missense variant.
Genome position (GRCh38, 1-based): chr15:48,465,582, G>T on the plus strand (C>A on the coding strand, the complement: FBN1 is on the minus strand). VCF-style: chr15-48465582-G-T. GRCh37 (hg19) VCF-style: chr15-48757779-G-T.
Other names: c.4928C>A, p.Thr1643Lys (NM_001406716.1); short protein forms T1643K.
Identifiers: ClinVar variation 2453687 (VCV002453687.5), dbSNP rs761765010, ClinGen allele CA053967.